The following is an entry in ClinVar:

NM_001163809.2(WDR81):c.1566G>A (p.Gln522=)

Gene: WDR81 (WD repeat domain 81; plus strand). Cytogenetic location: 17p13.3.
Variant type: single nucleotide variant.
Coding change: c.1566G>A on transcript NM_001163809.2 (MANE Select); coding-DNA position 1566, G replaced by A.
Protein change: p.Gln522=; no amino-acid change (glutamine 522 retained).
Molecular consequence: synonymous variant. On other transcripts: intron variant (3).
Genome position (GRCh38, 1-based): chr17:1,726,525, G>A. VCF-style: chr17-1726525-G-A. GRCh37 (hg19) VCF-style: chr17-1629819-G-A.
Other names: c.-123-1465G>A (NM_152348.4); c.59-3855G>A (NM_001163673.2); c.-15+1739G>A (NM_001163811.2).
Identifiers: ClinVar variation 5041796 (VCV005041796.1).

ClinVar aggregate classification (germline): Likely benign (1 of 4 stars; one submission).

Submission:

CeGaT Center for Human Genetics Tuebingen
Classification: Likely benign. Last evaluated: 2026-09-01. Review status: criteria provided, single submitter. Criteria: CeGaT Center For Human Genetics Tuebingen Variant Classification Criteria Version 2. Collection method: clinical testing. Allele origin: germline. Affected: yes. Observed: 1 variant allele.
Comment: WDR81: PM2:Supporting, BP4, BP7